The following is an entry in ClinVar:

ClinVar aggregate classification (germline): Benign/Likely benign. Review status: criteria provided, multiple submitters, no conflicts (2 of 4 stars). 6 submissions from 6 submitters: Benign (1); Likely benign (4). 1 of the submissions does not count toward it. Last evaluated 2026-01-27.

Conditions:
Hereditary pancreatitis (PCTT). Also called: PRSS1-Related Hereditary Pancreatitis; Hereditary chronic pancreatitis. Identifiers: Orphanet 676, MedGen C0238339, MONDO:0008185, OMIM 167800.
CPA1-related disorder. Also called: CPA1-related condition.

Allele frequency attached by ClinVar (database versions not stated): ESP Exome Variant Server 0.00069; 1000 Genomes Project 0.00080; gnomAD 0.00105 and 0.00108; ExAC 0.00110; gnomAD exomes 0.00115 and 0.00150; TOPMed 0.00119; 1000 Genomes Project 30x 0.00125.
gnomAD v4.1: 2,355 of 1,614,226 alleles (0.15%); highest among the groups gnomAD compares: Admixed American, 0.2%; 1 homozygote.

Submissions (6):

Labcorp Genetics (formerly Invitae), Labcorp
Classification: Benign. Last evaluated: 2026-01-27. Review status: criteria provided, single submitter. Criteria: Invitae Variant Classification Sherloc (09022015). Collection method: clinical testing. Allele origin: germline.

CeGaT Center for Human Genetics Tuebingen
Classification: Likely benign. Last evaluated: 2025-07-01. Review status: criteria provided, single submitter. Criteria: CeGaT Center For Human Genetics Tuebingen Variant Classification Criteria Version 2. Collection method: clinical testing. Allele origin: germline. Affected: yes. Observed: 1 variant allele.
Comment: CPA1: BP4, BP7

Blueprint Genetics
Classification: Likely benign. Last evaluated: 2024-11-06. Review status: criteria provided, single submitter. Criteria: ACMG Guidelines, 2015. Collection method: clinical testing. Allele origin: germline.

Sema4
Classification: Likely benign for Hereditary pancreatitis. Last evaluated: 2021-01-10. Review status: criteria provided, single submitter. Criteria: Sema4 Curation Guidelines. Collection method: curation. Allele origin: germline.

Ambry Genetics
Classification: Likely benign for Hereditary pancreatitis. Last evaluated: 2018-12-03. Review status: criteria provided, single submitter. Criteria: Ambry Variant Classification Scheme 2023. Collection method: clinical testing. Allele origin: germline.

PreventionGenetics, part of Exact Sciences
Classification: Likely benign for CPA1-related condition. Last evaluated: 2024-05-20. Review status: no assertion criteria provided. Collection method: clinical testing. Allele origin: germline. Not counted in ClinVar's aggregate classification.
Comment: This variant is classified as likely benign based on ACMG/AMP sequence variant interpretation guidelines (Richards et al. 2015 PMID: 25741868, with internal and published modifications).

Literature cited by the submitters: PubMed 23955596 (cited by Ambry Genetics).

NM_001868.4(CPA1):c.867T>C (p.Ile289=)

Gene: CPA1 (carboxypeptidase A1; plus strand). Cytogenetic location: 7q32.2.
Variant type: single nucleotide variant.
Coding change: c.867T>C on transcript NM_001868.4 (MANE Select); coding-DNA position 867, T replaced by C.
Protein change: p.Ile289=; no amino-acid change (isoleucine 289 retained).
Molecular consequence: synonymous variant.
Genome position (GRCh38, 1-based): chr7:130,385,225, T>C. VCF-style: chr7-130385225-T-C. GRCh37 (hg19) VCF-style: chr7-130025066-T-C.
Identifiers: ClinVar variation 773497 (VCV000773497.26), dbSNP rs115663631, ClinGen allele CA4484987.
Genomic context (GRCh38, chr7:130,385,225, plus strand): 5'-CCCCTGCTCGGAGACTTACCACGGCAAGTTTGCCAATTCCGAAGTGGAGGTCAAGTCCAT[T>C]GTAGACTTTGTGAAGGACCATGGGAACATCAAGGCCTTCATCTCCATCCACAGCTACTCC-3'
Protein context (NP_001859.1, residues 279-299): FANSEVEVKS[Ile289=]VDFVKDHGNI